The following is an entry in ClinVar:

NM_133448.3(TMEM132D):c.519C>T (p.Phe173=)

Gene: TMEM132D (transmembrane protein 132D; minus strand). Cytogenetic location: 12q24.33.
Variant type: single nucleotide variant.
Coding change: c.519C>T on transcript NM_133448.3 (MANE Select); coding-DNA position 519, C replaced by T.
Protein change: p.Phe173=; no amino-acid change (phenylalanine 173 retained).
Molecular consequence: synonymous variant.
Genome position (GRCh38, 1-based): chr12:129,700,259, G>A on the plus strand (C>T on the coding strand, the complement: TMEM132D is on the minus strand). VCF-style: chr12-129700259-G-A. GRCh37 (hg19) VCF-style: chr12-130184804-G-A.
Identifiers: ClinVar variation 3052345 (VCV003052345.2), dbSNP rs768637584, ClinGen allele CA6876372.

ClinVar aggregate classification (germline): Likely benign (0 of 4 stars; one submission).

Conditions:
TMEM132D-related disorder. Also called: TMEM132D-related condition.

Allele frequency attached by ClinVar (database versions not stated): ExAC 0.00006; TOPMed 0.00008; gnomAD exomes 0.00009; gnomAD 0.00010.
gnomAD v4.1: 141 of 1,613,264 alleles (0.0087%); highest among the groups gnomAD compares: Non-Finnish European, 0.012%; no homozygotes.

Submission:

PreventionGenetics, part of Exact Sciences
Classification: Likely benign for TMEM132D-related condition. Last evaluated: 2019-08-29. Review status: no assertion criteria provided. Collection method: clinical testing. Allele origin: germline.
Comment: This variant is classified as likely benign based on ACMG/AMP sequence variant interpretation guidelines (Richards et al. 2015 PMID: 25741868, with internal and published modifications).